The following is an entry in ClinVar:

ClinVar aggregate classification (germline): Uncertain significance (0 of 4 stars; one submission).

Conditions:
JMJD1C-related disorder. Also called: JMJD1C-related condition.

gnomAD v4.1: 1 of 1,614,060 alleles (0.000062%); highest among the groups gnomAD compares: East Asian, 0.0022%; no homozygotes.

Submission:

PreventionGenetics, part of Exact Sciences
Classification: Uncertain significance for JMJD1C-related condition. Last evaluated: 2023-10-23. Review status: no assertion criteria provided. Collection method: clinical testing. Allele origin: germline.
Comment: The JMJD1C c.3340G>C variant is predicted to result in the amino acid substitution p.Val1114Leu. To our knowledge, this variant has not been reported in the literature. This variant is reported in 0.0056% of alleles in individuals of East Asian descent in gnomAD. At this time, the clinical significance of this variant is uncertain due to the absence of conclusive functional and genetic evidence.

NM_032776.3(JMJD1C):c.3340G>C (p.Val1114Leu)

Gene: JMJD1C (jumonji domain containing 1C; minus strand). Cytogenetic location: 10q21.3.
Variant type: single nucleotide variant.
Coding change: c.3340G>C on transcript NM_032776.3 (MANE Select); coding-DNA position 3340, G replaced by C.
Protein change: p.Val1114Leu; replaces valine 1114 with leucine.
Molecular consequence: missense variant. On other transcripts: non-coding transcript variant (1).
Genome position (GRCh38, 1-based): chr10:63,208,329, C>G on the plus strand (G>C on the coding strand, the complement: JMJD1C is on the minus strand). VCF-style: chr10-63208329-C-G. GRCh37 (hg19) VCF-style: chr10-64968089-C-G.
Other names: c.2794G>C, p.Val932Leu (NM_001282948.2, NM_001318154.2); c.2476G>C, p.Val826Leu (NM_001318153.2); c.3226G>C, p.Val1076Leu (NM_001322252.2); c.2683G>C, p.Val895Leu (NM_001322254.2, NM_001322258.2); short protein forms V1076L, V1114L, V826L, V895L, V932L.
Identifiers: ClinVar variation 3050727 (VCV003050727.2), dbSNP rs781664751, ClinGen allele CA208372212.
Genomic context (GRCh38, chr10:63,208,329, plus strand): 5'-GAGGATTAGCTGCTGCCGCTGCAAGGGCATTACTCTGTTTATCACCGTAAATATTTGAAA[C>G]TTCTTTGGATGGGTATGATCTTGGTGGTTCATTGACCACACTATTAGACAATGTAGTGAA-3'
Protein context (NP_116165.1, residues 1104-1124): EPPRSYPSKE[Val1114Leu]SNIYGDKQSN